The following is an entry in ClinVar:

NM_001142864.4(PIEZO1):c.3463C>G (p.Leu1155Val)

Gene: PIEZO1 (piezo type mechanosensitive ion channel component 1 (Er blood group); minus strand). Cytogenetic location: 16q24.3.
Variant type: single nucleotide variant.
Coding change: c.3463C>G on transcript NM_001142864.4 (MANE Select); coding-DNA position 3463, C replaced by G.
Protein change: p.Leu1155Val; replaces leucine 1155 with valine.
Molecular consequence: missense variant.
Genome position (GRCh38, 1-based): chr16:88,726,951, G>C on the plus strand (C>G on the coding strand, the complement: PIEZO1 is on the minus strand). VCF-style: chr16-88726951-G-C. GRCh37 (hg19) VCF-style: chr16-88793359-G-C.
Other names: p.Leu1155Val; c.2005C>G, p.Leu669Val (NM_014745.1); short protein forms L1155V, L669V.
Identifiers: ClinVar variation 3212667 (VCV003212667.2), dbSNP rs1434908761, ClinGen allele CA397104895.

ClinVar aggregate classification (germline): Uncertain significance. Review status: criteria provided, multiple submitters, no conflicts (2 of 4 stars). 2 submissions from 2 submitters: Uncertain significance (2). Last evaluated 2023-10-10.

Conditions:
Inborn genetic diseases. Identifiers: MedGen C0950123, MeSH D030342.

Allele frequency attached by ClinVar (database versions not stated): TOPMed below 0.00001.
gnomAD v4.1: 17 of 1,550,372 alleles (0.0011%); highest among the groups gnomAD compares: East Asian, 0.032%; no homozygotes.

Submissions (2):

Ambry Genetics
Classification: Uncertain significance for Inborn genetic diseases. Last evaluated: 2023-10-10. Review status: criteria provided, single submitter. Criteria: Ambry Variant Classification Scheme 2023. Collection method: clinical testing. Allele origin: germline.

Mayo Clinic Laboratories, Mayo Clinic
Classification: Uncertain significance. Last evaluated: 2023-07-20. Review status: criteria provided, single submitter. Criteria: ACMG Guidelines, 2015. Collection method: clinical testing. Allele origin: germline. Observed: 1 variant allele.
Comment: BP4, PM2_moderate